The following is an entry in ClinVar:

NM_017802.4(DNAAF5):c.1544C>T (p.Ala515Val)

Gene: DNAAF5 (dynein axonemal assembly factor 5; plus strand). Cytogenetic location: 7p22.3.
Variant type: single nucleotide variant.
Coding change: c.1544C>T on transcript NM_017802.4 (MANE Select); coding-DNA position 1544, C replaced by T.
Protein change: p.Ala515Val; replaces alanine 515 with valine.
Molecular consequence: missense variant. On other transcripts: non-coding transcript variant (1).
Genome position (GRCh38, 1-based): chr7:761,826, C>T. VCF-style: chr7-761826-C-T. GRCh37 (hg19) VCF-style: chr7-801463-C-T.
Other names: short protein forms A515V.
Identifiers: ClinVar variation 241196 (VCV000241196.9), dbSNP rs878855034, ClinGen allele CA10582541.
Genomic context (GRCh38, chr7:761,826, plus strand): 5'-AGCGCCTGCTGCTGTGTGTGCAGGCTCTGGTGTCTGTGTGTCATGAGGACTGTGGCGTGG[C>T]CAGCCTGCAGCTCTTGGACGTGCTGCTGACAATAGTGGCCCTCGCAGGTGCTACCGGCCT-3'
Protein context (NP_060272.3, residues 505-525): VSVCHEDCGV[Ala515Val]SLQLLDVLLT

ClinVar aggregate classification (germline): Uncertain significance (1 of 4 stars; one submission).

Conditions:
Primary ciliary dyskinesia. Also called: Ciliary dyskinesia. Identifiers: Orphanet 244, MedGen C0008780, MONDO:0016575, HP:0012265.

Submission:

Labcorp Genetics (formerly Invitae), Labcorp
Classification: Uncertain significance for Primary ciliary dyskinesia. Last evaluated: 2018-03-23. Review status: criteria provided, single submitter. Criteria: Invitae Variant Classification Sherloc (09022015). Collection method: clinical testing. Allele origin: germline.
Comment: This variant has not been reported in the literature in individuals with DNAAF5-related disease. ClinVar contains an entry for this variant (Variation ID: 241196). This sequence change replaces alanine with valine at codon 515 of the DNAAF5 protein (p.Ala515Val). The alanine residue is weakly conserved and there is a small physicochemical difference between alanine and valine. This variant is not present in population databases (ExAC no frequency). Algorithms developed to predict the effect of missense changes on protein structure and function (SIFT, PolyPhen-2, Align-GVGD) all suggest that this variant is likely to be tolerated, but these predictions have not been confirmed by published functional studies and their clinical significance is uncertain. In summary, the available evidence is currently insufficient to determine the role of this variant in disease. Therefore, it has been classified as a Variant of Uncertain Significance.